The following is an entry in ClinVar:

NM_000059.4(BRCA2):c.3460del (p.Thr1154fs)

Gene: BRCA2 (BRCA2 DNA repair associated; plus strand). Cytogenetic location: 13q13.1.
Variant type: Deletion.
Coding change: c.3460del on transcript NM_000059.4 (MANE Select); coding-DNA position 3460, one base deleted (A; older notation c.3460delA).
Protein change: p.Thr1154fs; shifts the reading frame from threonine 1154.
Molecular consequence: frameshift variant. On other transcripts: non-coding transcript variant (1), intron variant (2).
Genome position (GRCh38, 1-based): chr13:32,337,815, A deleted. VCF-style (leftmost placement, unchanged base first): chr13-32337814-GA-G. GRCh37 (hg19) VCF-style: chr13-32911951-GA-G.
Other names: c.3460del, p.Thr1154fs (NM_001406719.1, NM_001406720.1); c.1909+4428del (NM_001406721.1); c.425-6743del (NM_001406722.1); short protein forms T1154fs.
Identifiers: ClinVar variation 2573303 (VCV002573303.1), dbSNP rs2548526021, ClinGen allele CA2580614698.

ClinVar aggregate classification (germline): Pathogenic (1 of 4 stars; one submission).

Conditions:
Breast-ovarian cancer, familial, susceptibility to, 2 (BROVCA2). Also called: BRCA2 Hereditary Breast and Ovarian Cancer. Identifiers: Orphanet 145, MedGen C2675520, MONDO:0012933, OMIM 612555. Disease mechanism: loss of function.

Submission:

Myriad Genetics, Inc.
Classification: Pathogenic for Breast-ovarian cancer, familial, susceptibility to, 2. Last evaluated: 2023-02-08. Review status: criteria provided, single submitter. Criteria: Myriad Autosomal Dominant, Autosomal Recessive and X-Linked Classification Criteria (2023). Collection method: clinical testing. Allele origin: unknown.
Comment: This variant is considered pathogenic. This variant creates a frameshift predicted to result in premature protein truncation.